The following is an entry in ClinVar:

NM_004260.4(RECQL4):c.3115A>G (p.Ser1039Gly)

Gene: RECQL4 (RecQ like helicase 4; minus strand). Cytogenetic location: 8q24.3.
Variant type: single nucleotide variant.
Coding change: c.3115A>G on transcript NM_004260.4 (MANE Select); coding-DNA position 3115, A replaced by G.
Protein change: p.Ser1039Gly; replaces serine 1039 with glycine.
Molecular consequence: missense variant.
Genome position (GRCh38, 1-based): chr8:144,512,265, T>C on the plus strand (A>G on the coding strand, the complement: RECQL4 is on the minus strand). VCF-style: chr8-144512265-T-C. GRCh37 (hg19) VCF-style: chr8-145737648-T-C.
Other names: short protein forms S1039G.
Identifiers: ClinVar variation 1426662 (VCV001426662.6), dbSNP rs2130659728, ClinGen allele CA372670539.
Genomic context (GRCh38, chr8:144,512,265, plus strand): 5'-CACGGCCATAGAGGAAGTCACATATCTGGTCCTTCTCCTCAGCGGTCAAGTCCCCCGGGC[T>C]GCGAAGGTGGAAGGCCAGCTCACTGAACTCCACAAGCACCCCTGTCCCACGCCGCACACC-3'
Protein context (NP_004251.4, residues 1029-1049): EFSELAFHLR[Ser1039Gly]PGDLTAEEKD

ClinVar aggregate classification (germline): Uncertain significance (1 of 4 stars; one submission).

Conditions:
Baller-Gerold syndrome (BGS). Also called: CRANIOSYNOSTOSIS WITH RADIAL DEFECTS. Identifiers: Orphanet 1225, MedGen C0265308, MONDO:0009039, OMIM 218600.

Submission:

Labcorp Genetics (formerly Invitae), Labcorp
Classification: Uncertain significance for Baller-Gerold syndrome. Last evaluated: 2023-05-02. Review status: criteria provided, single submitter. Criteria: Invitae Variant Classification Sherloc (09022015). Collection method: clinical testing. Allele origin: germline.
Comment: In summary, the available evidence is currently insufficient to determine the role of this variant in disease. Therefore, it has been classified as a Variant of Uncertain Significance. Algorithms developed to predict the effect of sequence changes on RNA splicing suggest that this variant may disrupt the consensus splice site. Advanced modeling of protein sequence and biophysical properties (such as structural, functional, and spatial information, amino acid conservation, physicochemical variation, residue mobility, and thermodynamic stability) performed at Invitae indicates that this missense variant is expected to disrupt RECQL4 protein function. ClinVar contains an entry for this variant (Variation ID: 1426662). This variant has not been reported in the literature in individuals affected with RECQL4-related conditions. This variant is not present in population databases (gnomAD no frequency). This sequence change replaces serine, which is neutral and polar, with glycine, which is neutral and non-polar, at codon 1039 of the RECQL4 protein (p.Ser1039Gly).